The following is an entry in ClinVar:

NM_007194.4(CHEK2):c.1163C>A (p.Pro388His)

Gene: CHEK2 (checkpoint kinase 2; minus strand). Cytogenetic location: 22q12.1.
Variant type: single nucleotide variant.
Coding change: c.1163C>A on transcript NM_007194.4 (MANE Select); coding-DNA position 1163, C replaced by A.
Protein change: p.Pro388His; replaces proline 388 with histidine.
Molecular consequence: missense variant.
Genome position (GRCh38, 1-based): chr22:28,695,806, G>T on the plus strand (C>A on the coding strand, the complement: CHEK2 is on the minus strand). VCF-style: chr22-28695806-G-T. GRCh37 (hg19) VCF-style: chr22-29091794-G-T.
Other names: c.1292C>A, p.Pro431His (NM_001005735.3); c.500C>A, p.Pro167His (NM_001257387.3); c.962C>A, p.Pro321His (NM_001349956.3); c.1076C>A, p.Pro359His (NM_145862.3); short protein forms P167H, P321H, P359H, P388H, P431H.
Identifiers: ClinVar variation 1316366 (VCV001316366.2), dbSNP rs1601722891, ClinGen allele CA411096851.
Genomic context (GRCh38, chr22:28,695,806, plus strand): 5'-ACAGCACGGTTATACCCAGCAGTCCCAACAGAAACAAGAACTTCAGGCGCCAAGTAGGTG[G>T]GGGTTCCACATAAGGTTCTCATGAGAGAGGTCTCTCCCAAAATCTTGGAGTGCCCAAAAT-3'
Protein context (NP_009125.1, residues 378-398): TSLMRTLCGT[Pro388His]TYLAPEVLVS

ClinVar aggregate classification (germline): Uncertain significance (1 of 4 stars; one submission).

Submission:

GeneDx
Classification: Uncertain significance. Last evaluated: 2021-02-23. Review status: criteria provided, single submitter. Criteria: GeneDx Variant Classification Process June 2021. Collection method: clinical testing. Allele origin: germline. Affected: yes.
Comment: Not observed in large population cohorts (Lek 2016); In silico analysis supports that this missense variant has a deleterious effect on protein structure/function; Has not been previously published as pathogenic or benign to our knowledge